The following is an entry in ClinVar:

NM_001130144.3(LTBP3):c.1667C>G (p.Pro556Arg)

Gene: LTBP3 (latent transforming growth factor beta binding protein 3; minus strand). Cytogenetic location: 11q13.1.
Variant type: single nucleotide variant.
Coding change: c.1667C>G on transcript NM_001130144.3 (MANE Select); coding-DNA position 1667, C replaced by G.
Protein change: p.Pro556Arg; replaces proline 556 with arginine.
Molecular consequence: missense variant.
Genome position (GRCh38, 1-based): chr11:65,551,179, G>C on the plus strand (C>G on the coding strand, the complement: LTBP3 is on the minus strand). VCF-style: chr11-65551179-G-C. GRCh37 (hg19) VCF-style: chr11-65318650-G-C.
Other names: c.1316C>G, p.Pro439Arg (NM_001164266.1); c.1667C>G, p.Pro556Arg (NM_021070.4); short protein forms P556R, P439R.
Identifiers: ClinVar variation 2562652 (VCV002562652.4), dbSNP rs989754674, ClinGen allele CA223968477.
Genomic context (GRCh38, chr11:65,551,179, plus strand): 5'-GCCTTACCTGTGACCTGAGTGGGAGCGATCTCTACGGCGCTGCGGGAAGGAGGCAAGTCC[G>C]GCAGGAACCAGCGCATGGTCGGGGGCGAGGGACGGGAGATCAGCTCTGCGGGCGGCAGTG-3'
Protein context (NP_001123616.1, residues 546-566): PSPPTMRWFL[Pro556Arg]DLPPSRSAVE

ClinVar aggregate classification (germline): Uncertain significance. Review status: criteria provided, multiple submitters, no conflicts (2 of 4 stars). 2 submissions from 2 submitters: Uncertain significance (2). Last evaluated 2024-06-05.

Conditions:
Brachyolmia-amelogenesis imperfecta syndrome. Also called: PLATYSPONDYLY WITH AMELOGENESIS IMPERFECTA; Tooth agenesis, selective, 6; Dental anomalies and short stature. Identifiers: Orphanet 2899, MedGen C1832594, MONDO:0011018, OMIM 601216. Disease mechanism: loss of function.
Inborn genetic diseases. Identifiers: MedGen C0950123, MeSH D030342.

Allele frequency attached by ClinVar (database versions not stated): TOPMed 0.00001.
gnomAD v4.1: 8 of 1,552,604 alleles (0.00052%); highest among the groups gnomAD compares: Non-Finnish European, 0.00061%; no homozygotes.

Submissions (2):

Labcorp Genetics (formerly Invitae), Labcorp
Classification: Uncertain significance for Brachyolmia-amelogenesis imperfecta syndrome. Last evaluated: 2024-06-05. Review status: criteria provided, single submitter. Criteria: Invitae Variant Classification Sherloc (09022015). Collection method: clinical testing. Allele origin: germline.
Comment: This sequence change replaces proline, which is neutral and non-polar, with arginine, which is basic and polar, at codon 556 of the LTBP3 protein (p.Pro556Arg). This variant is present in population databases (no rsID available, gnomAD 0.003%). This variant has not been reported in the literature in individuals affected with LTBP3-related conditions. ClinVar contains an entry for this variant (Variation ID: 2562652). An algorithm developed to predict the effect of missense changes on protein structure and function (PolyPhen-2) suggests that this variant is likely to be disruptive. In summary, the available evidence is currently insufficient to determine the role of this variant in disease. Therefore, it has been classified as a Variant of Uncertain Significance.

Ambry Genetics
Classification: Uncertain significance for Inborn genetic diseases. Last evaluated: 2023-04-09. Review status: criteria provided, single submitter. Criteria: Ambry Variant Classification Scheme 2023. Collection method: clinical testing. Allele origin: germline.
Comment: The p.P556R variant (also known as c.1667C>G), located in coding exon 11 of the LTBP3 gene, results from a C to G substitution at nucleotide position 1667. The proline at codon 556 is replaced by arginine, an amino acid with dissimilar properties. This amino acid position is conserved. In addition, the in silico prediction for this alteration is inconclusive. Since supporting evidence is limited at this time, the clinical significance of this alteration remains unclear.